The following is an entry in ClinVar:

NM_133261.3(GIPC3):c.277G>A (p.Gly93Arg)

Gene: GIPC3 (GIPC PDZ domain containing family member 3; plus strand). Cytogenetic location: 19p13.3.
Variant type: single nucleotide variant.
Coding change: c.277G>A on transcript NM_133261.3 (MANE Select); coding-DNA position 277, G replaced by A.
Protein change: p.Gly93Arg; replaces glycine 93 with arginine.
Molecular consequence: missense variant.
Genome position (GRCh38, 1-based): chr19:3,586,546, G>A. VCF-style: chr19-3586546-G-A. GRCh37 (hg19) VCF-style: chr19-3586544-G-A.
Other names: c.277G>A, p.Gly93Arg (NM_001411144.1); short protein forms G93R.
Identifiers: ClinVar variation 3906714 (VCV003906714.1).

ClinVar aggregate classification (germline): Uncertain significance (1 of 4 stars; one submission).

gnomAD v4.1: 2 of 1,613,914 alleles (0.00012%); highest among the groups gnomAD compares: Admixed American, 0.0033%; no homozygotes.

Submission:

GeneDx
Classification: Uncertain significance. Last evaluated: 2024-12-18. Review status: criteria provided, single submitter. Criteria: GeneDx Variant Classification Process June 2021. Collection method: clinical testing. Allele origin: germline. Affected: yes.
Comment: Not observed at significant frequency in large population cohorts (gnomAD); In silico analysis supports that this missense variant has a deleterious effect on protein structure/function; Has not been previously published as pathogenic or benign to our knowledge